The following is an entry in ClinVar:

NM_080860.4(RSPH1):c.281G>A (p.Trp94Ter)

Gene: RSPH1 (radial spoke head component 1; minus strand). Cytogenetic location: 21q22.3.
Variant type: single nucleotide variant.
Coding change: c.281G>A on transcript NM_080860.4 (MANE Select); coding-DNA position 281, G replaced by A.
Protein change: p.Trp94Ter; replaces tryptophan 94 with a stop codon.
Molecular consequence: nonsense.
Genome position (GRCh38, 1-based): chr21:42,486,455, C>T on the plus strand (G>A on the coding strand, the complement: RSPH1 is on the minus strand). VCF-style: chr21-42486455-C-T. GRCh37 (hg19) VCF-style: chr21-43906565-C-T.
Other names: c.167G>A, p.Trp56Ter (NM_001286506.2); short protein forms W94*, W56*.
Identifiers: ClinVar variation 144011 (VCV000144011.12), dbSNP rs587777635, ClinGen allele CA170575.

ClinVar aggregate classification (germline): Pathogenic/Likely pathogenic. Review status: criteria provided, multiple submitters, no conflicts (2 of 4 stars). 4 submissions from 4 submitters: Pathogenic (1); Likely pathogenic (1). 2 of the submissions do not count toward it. Last evaluated 2024-01-22.

Conditions:
Primary ciliary dyskinesia. Also called: Ciliary dyskinesia. Identifiers: Orphanet 244, MedGen C0008780, MONDO:0016575, HP:0012265.
RSPH1-related disorder. Also called: RSPH1-related condition.
Primary ciliary dyskinesia 24 (CILD24). Also called: CILIARY DYSKINESIA, PRIMARY, 24, WITHOUT SITUS INVERSUS. Identifiers: Orphanet 244, MedGen C3809634, MONDO:0014202, OMIM 615481.

Allele frequency attached by ClinVar (database versions not stated): gnomAD exomes below 0.00001; TOPMed 0.00001.
gnomAD v4.1: 3 of 1,613,336 alleles (0.00019%); highest among the groups gnomAD compares: Non-Finnish European, 0.00025%; no homozygotes.

Submissions (4):

Labcorp Genetics (formerly Invitae), Labcorp
Classification: Pathogenic for Primary ciliary dyskinesia. Last evaluated: 2024-01-22. Review status: criteria provided, single submitter. Criteria: Invitae Variant Classification Sherloc (09022015). Collection method: clinical testing. Allele origin: germline.
Comment: This sequence change creates a premature translational stop signal (p.Trp94*) in the RSPH1 gene. It is expected to result in an absent or disrupted protein product. Loss-of-function variants in RSPH1 are known to be pathogenic (PMID: 23993197). This variant is not present in population databases (gnomAD no frequency). This premature translational stop signal has been observed in individual(s) with primary ciliary dyskinesia (PMID: 24518672). In at least one individual the data is consistent with being in trans (on the opposite chromosome) from a pathogenic variant. ClinVar contains an entry for this variant (Variation ID: 144011). For these reasons, this variant has been classified as Pathogenic.

PreventionGenetics, part of Exact Sciences
Classification: Likely pathogenic for RSPH1-related condition. Last evaluated: 2023-03-23. Review status: criteria provided, single submitter. Criteria: ACMG Guidelines, 2015. Collection method: clinical testing. Allele origin: germline.
Comment: The RSPH1 c.281G>A variant is predicted to result in premature protein termination (p.Trp94*). This variant was reported in the compound heterozygous state in a patient with primary ciliary dyskinesia (Onoufriadis et al. 2014. PubMed ID: 24518672; Fassad et al. 2019. PubMed ID: 31879361). This variant has not been reported in a large population database, indicating this variant is rare. Nonsense variants in RSPH1 are expected to be pathogenic. This variant is interpreted as likely pathogenic.

OMIM
Classification: Pathogenic for CILIARY DYSKINESIA, PRIMARY, 24, WITHOUT SITUS INVERSUS. Last evaluated: 2014-07-01. Review status: no assertion criteria provided. Collection method: literature only. Allele origin: germline. Not counted in ClinVar's aggregate classification.

Genomics England Pilot Project, Genomics England
Classification: Likely pathogenic for Primary ciliary dyskinesia 24. Review status: no assertion criteria provided. Criteria: ACGS Guidelines, 2016. Collection method: clinical testing. Allele origin: germline. Affected: yes. Not counted in ClinVar's aggregate classification.

Literature cited by the submitters: PubMed 23993197 (cited by Labcorp Genetics (formerly Invitae), Labcorp); PubMed 24518672 (cited by Labcorp Genetics (formerly Invitae), Labcorp and OMIM).